The following is an entry in ClinVar:

ClinVar aggregate classification (germline): Likely pathogenic (1 of 4 stars; one submission).

Conditions:
Hypertrophic cardiomyopathy 26. Also called: Cardiomyopathy, familial hypertrophic, 26. Identifiers: Orphanet 75249, MedGen C4310749, MONDO:0014883, OMIM 617047.

Submission:

Juno Genomics, Hangzhou Juno Genomics, Inc
Classification: Likely pathogenic for Hypertrophic cardiomyopathy 26. Review status: criteria provided, single submitter. Criteria: ACMG Guidelines, 2015. Collection method: clinical testing. Allele origin: germline. Affected: yes.
Comment: Absent from controls (or at extremely low frequency if recessive) in Genome Aggregation Database, Exome Sequencing Project, 1000 Genomes Project, or Exome Aggregation Consortium.;Null variant in a gene where loss of function (LOF) is a known mechanism of disease.

NM_001458.5(FLNC):c.929_932dup (p.Val312fs)

Gene: FLNC (filamin C; plus strand). Cytogenetic location: 7q32.1.
Variant type: Duplication.
Coding change: c.929_932dup on transcript NM_001458.5 (MANE Select); coding-DNA positions 929 to 932, 4 bases duplicated (TGCT; older notation c.929_932dupTGCT).
Protein change: p.Val312fs; shifts the reading frame from valine 312.
Molecular consequence: frameshift variant.
Genome position (GRCh38, 1-based): chr7:128,837,715-128,837,718, TGCT duplicated. VCF-style (leftmost placement, unchanged base first): chr7-128837714-G-GTGCT. GRCh37 (hg19) VCF-style: chr7-128477768-G-GTGCT.
Other names: c.929_932dup, p.Val312fs (NM_001127487.2); short protein forms V312fs.
Identifiers: ClinVar variation 3382075 (VCV003382075.2).